The following is an entry in ClinVar:

NM_004655.4(AXIN2):c.2146T>A (p.Cys716Ser)

Gene: AXIN2 (axin 2; minus strand). Cytogenetic location: 17q24.1.
Variant type: single nucleotide variant.
Coding change: c.2146T>A on transcript NM_004655.4 (MANE Select); coding-DNA position 2146, T replaced by A.
Protein change: p.Cys716Ser; replaces cysteine 716 with serine.
Molecular consequence: missense variant.
Genome position (GRCh38, 1-based): chr17:65,535,717, A>T on the plus strand (T>A on the coding strand, the complement: AXIN2 is on the minus strand). VCF-style: chr17-65535717-A-T. GRCh37 (hg19) VCF-style: chr17-63531835-A-T.
Other names: c.1951T>A, p.Cys651Ser (NM_001363813.1); short protein forms C716S, C651S.
Identifiers: ClinVar variation 5032519 (VCV005032519.1).

ClinVar aggregate classification (germline): Uncertain significance (1 of 4 stars; one submission).

Conditions:
Hereditary cancer-predisposing syndrome. Also called: Neoplastic Syndromes, Hereditary; Tumor predisposition; Hereditary neoplastic syndrome; Hereditary Cancer Syndrome. Identifiers: Orphanet 140162, MedGen C0027672, MeSH D009386, MONDO:0015356.

Submission:

Ambry Genetics
Classification: Uncertain significance for Hereditary cancer-predisposing syndrome. Last evaluated: 2026-06-24. Review status: criteria provided, single submitter. Criteria: Ambry Variant Classification Scheme 2023. Collection method: clinical testing. Allele origin: germline.
Comment: The p.C716S variant (also known as c.2146T>A), located in coding exon 8 of the AXIN2 gene, results from a T to A substitution at nucleotide position 2146. The cysteine at codon 716 is replaced by serine, an amino acid with dissimilar properties. This amino acid position is conserved. In addition, this alteration is predicted to be tolerated by in silico analysis. Based on the available evidence, the clinical significance of this variant remains unclear.